The following is an entry in ClinVar:

NM_022367.4(SEMA4A):c.1991C>T (p.Pro664Leu)

Gene: SEMA4A (semaphorin 4A; plus strand). Cytogenetic location: 1q22.
Variant type: single nucleotide variant.
Coding change: c.1991C>T on transcript NM_022367.4 (MANE Select); coding-DNA position 1991, C replaced by T.
Protein change: p.Pro664Leu; replaces proline 664 with leucine.
Molecular consequence: missense variant.
Genome position (GRCh38, 1-based): chr1:156,176,702, C>T. VCF-style: chr1-156176702-C-T. GRCh37 (hg19) VCF-style: chr1-156146493-C-T.
Other names: c.1991C>T, p.Pro664Leu (NM_001193300.2, NM_001193301.2, NM_001370567.1); c.1595C>T, p.Pro532Leu (NM_001193302.2); c.1694C>T, p.Pro565Leu (NM_001370568.1); c.1484C>T, p.Pro495Leu (NM_001370569.1, NM_001370571.1); c.1991C>T (NM_022367.3); short protein forms P532L, P664L, P495L, P565L.
Identifiers: ClinVar variation 1409212 (VCV001409212.9), dbSNP rs200251591, ClinGen allele CA1155499.
Genomic context (GRCh38, chr1:156,176,702, plus strand): 5'-ACCAGACCCTGGCCCTGGATCCTGAACTGGCAGGCATCCCCCGGGAGCATGTGAAGGTCC[C>T]GTTGACCAGGGTCAGTGGTGGGGCCGCCCTGGCTGCCCAGCAGTCCTACTGGCCCCACTT-3'
Protein context (NP_071762.2, residues 654-674): AGIPREHVKV[Pro664Leu]LTRVSGGAAL

ClinVar aggregate classification (germline): Uncertain significance. Review status: criteria provided, multiple submitters, no conflicts (2 of 4 stars). 5 submissions from 4 submitters: Uncertain significance (5). Last evaluated 2026-01-07.

Conditions:
Retinitis pigmentosa 35 (RP35). Identifiers: Orphanet 791, MedGen C1853214, MONDO:0012463, OMIM 610282.
Cone-rod dystrophy 10 (CORD10). Identifiers: Orphanet 1872, MedGen C1846529, MONDO:0012464, OMIM 610283.

Allele frequency attached by ClinVar (database versions not stated): gnomAD 0.00007; TOPMed 0.00008; ESP Exome Variant Server 0.00015.
gnomAD v4.1: 112 of 1,613,948 alleles (0.0069%); highest among the groups gnomAD compares: African/African-American, 0.0093%; no homozygotes.

Submissions (5):

Labcorp Genetics (formerly Invitae), Labcorp
Classification: Uncertain significance. Last evaluated: 2026-01-07. Review status: criteria provided, single submitter. Criteria: Invitae Variant Classification Sherloc (09022015). Collection method: clinical testing. Allele origin: germline.
Comment: This sequence change replaces proline, which is neutral and non-polar, with leucine, which is neutral and non-polar, at codon 664 of the SEMA4A protein (p.Pro664Leu). This variant is present in population databases (rs200251591, gnomAD 0.01%). This variant has not been reported in the literature in individuals affected with SEMA4A-related conditions. ClinVar contains an entry for this variant (Variation ID: 1409212). An algorithm developed to predict the effect of missense changes on protein structure and function (PolyPhen-2) suggests that this variant is likely to be tolerated. In summary, the available evidence is currently insufficient to determine the role of this variant in disease. Therefore, it has been classified as a Variant of Uncertain Significance.

Ambry Genetics
Classification: Uncertain significance. Last evaluated: 2025-08-15. Review status: criteria provided, single submitter. Criteria: Ambry Variant Classification Scheme 2023. Collection method: clinical testing. Allele origin: germline.

Blueprint Genetics
Classification: Uncertain significance. Last evaluated: 2023-11-30. Review status: criteria provided, single submitter. Criteria: ACMG Guidelines, 2015. Collection method: clinical testing. Allele origin: germline.

Genome-Nilou Lab
Classification: Uncertain significance for Cone-rod dystrophy 10. Last evaluated: 2023-04-11. Review status: criteria provided, single submitter. Criteria: ACMG Guidelines, 2015. Collection method: clinical testing. Allele origin: germline. Affected: no.

Genome-Nilou Lab
Classification: Uncertain significance for Retinitis pigmentosa 35. Last evaluated: 2023-04-11. Review status: criteria provided, single submitter. Criteria: ACMG Guidelines, 2015. Collection method: clinical testing. Allele origin: germline. Affected: no.